The following is an entry in ClinVar:

ClinVar aggregate classification (germline): Conflicting classifications of pathogenicity. Review status: criteria provided, conflicting classifications (1 of 4 stars). 3 submissions from 3 submitters: Likely pathogenic (1); Uncertain significance (2). Last evaluated 2026-01-05.

Conditions:
Infantile onset spinocerebellar ataxia (MTDPS7). Also called: Mitochondrial DNA depletion syndrome 7 (hepatocerebral type); OPHTHALMOPLEGIA, HYPOTONIA, ATAXIA, HYPOACUSIS, AND ATHETOSIS; OHAHA SYNDROME; SPINOCEREBELLAR ATAXIA, INFANTILE, WITH SENSORY NEUROPATHY. Identifiers: Orphanet 1186, MedGen C1849096, MONDO:0010060, OMIM 271245.

Allele frequency attached by ClinVar (database versions not stated): gnomAD exomes below 0.00001; ExAC 0.00001; TOPMed 0.00001.

Submissions (3):

Labcorp Genetics (formerly Invitae), Labcorp
Classification: Uncertain significance. Last evaluated: 2026-01-05. Review status: criteria provided, single submitter. Criteria: Invitae Variant Classification Sherloc (09022015). Collection method: clinical testing. Allele origin: germline.
Comment: This sequence change replaces arginine, which is basic and polar, with glutamine, which is neutral and polar, at codon 543 of the TWNK protein (p.Arg543Gln). This variant is present in population databases (rs753386843, gnomAD 0.006%). This missense change has been observed in individual(s) with TWNK-related conditions (PMID: 33486010). ClinVar contains an entry for this variant (Variation ID: 694432). Invitae Evidence Modeling of protein sequence and biophysical properties (such as structural, functional, and spatial information, amino acid conservation, physicochemical variation, residue mobility, and thermodynamic stability) indicates that this missense variant is expected to disrupt TWNK protein function with a positive predictive value of 95%. In summary, the available evidence is currently insufficient to determine the role of this variant in disease. Therefore, it has been classified as a Variant of Uncertain Significance.

GeneDx
Classification: Uncertain significance. Last evaluated: 2020-01-20. Review status: criteria provided, single submitter. Criteria: GeneDx Variant Classification Process June 2021. Collection method: clinical testing. Allele origin: germline. Affected: yes.
Comment: Not observed at a significant frequency in large population cohorts (Lek et al., 2016); In silico analysis, which includes protein predictors and evolutionary conservation, supports a deleterious effect; Has not been previously published as pathogenic or benign to our knowledge; In-silico analysis, which includes splice predictors and evolutionary conservation, is inconclusive as to whether the variant alters gene splicing. In the absence of RNA/functional studies, the actual effect of this sequence change is unknown.

Laboratory of Inherited Metabolic Diseases, Research centre for medical genetics
Classification: Likely pathogenic for Infantile onset spinocerebellar ataxia. Last evaluated: 2019-07-17. Review status: criteria provided, single submitter. Criteria: ACMG Guidelines, 2015. Collection method: clinical testing. Allele origin: germline. Inheritance: Autosomal recessive inheritance. Affected: yes.
Comment: found in compound heterozygous with c.1199G>T (p.R400L)

Literature cited by the submitters: PubMed 33486010 (cited by Labcorp Genetics (formerly Invitae), Labcorp).

NM_021830.5(TWNK):c.1628G>A (p.Arg543Gln)

Gene: TWNK (twinkle mtDNA helicase; plus strand). Cytogenetic location: 10q24.31.
Variant type: single nucleotide variant.
Coding change: c.1628G>A on transcript NM_021830.5 (MANE Select); coding-DNA position 1628, G replaced by A.
Protein change: p.Arg543Gln; replaces arginine 543 with glutamine.
Molecular consequence: missense variant. On other transcripts: non-coding transcript variant (5).
Genome position (GRCh38, 1-based): chr10:100,990,904, G>A. VCF-style: chr10-100990904-G-A. GRCh37 (hg19) VCF-style: chr10-102750661-G-A.
Other names: c.1628G>A, p.Arg543Gln (NM_001163812.2); c.266G>A, p.Arg89Gln (NM_001163813.2, NM_001163814.2, NM_001368275.1); short protein forms R543Q, R89Q.
Identifiers: ClinVar variation 694432 (VCV000694432.7), dbSNP rs753386843, ClinGen allele CA5653303.